The following is an entry in ClinVar:

ClinVar aggregate classification (germline): Uncertain significance. Review status: criteria provided, multiple submitters, no conflicts (2 of 4 stars). 2 submissions from 2 submitters: Uncertain significance (2). Last evaluated 2024-11-04.

Conditions:
Early-infantile DEE. Also called: Early infantile epileptic encephalopathy with suppression bursts; Early infantile epileptic encephalopathy; Ohtahara syndrome. Identifiers: Orphanet 1934, MedGen C0393706, MONDO:0800491.

Submissions (2):

Labcorp Genetics (formerly Invitae), Labcorp
Classification: Uncertain significance for Early-infantile DEE. Last evaluated: 2024-11-04. Review status: criteria provided, single submitter. Criteria: Invitae Variant Classification Sherloc (09022015). Collection method: clinical testing. Allele origin: germline.
Comment: This sequence change creates a premature translational stop signal (p.Ile438Serfs*45) in the KCNH5 gene. It is expected to result in an absent or disrupted protein product. However, the current clinical and genetic evidence is not sufficient to establish whether loss-of-function variants in KCNH5 cause disease. This variant is not present in population databases (gnomAD no frequency). This variant has not been reported in the literature in individuals affected with KCNH5-related conditions. ClinVar contains an entry for this variant (Variation ID: 1906972). In summary, the available evidence is currently insufficient to determine the role of this variant in disease. Therefore, it has been classified as a Variant of Uncertain Significance.

GeneDx
Classification: Uncertain significance. Last evaluated: 2024-04-22. Review status: criteria provided, single submitter. Criteria: GeneDx Variant Classification Process June 2021. Collection method: clinical testing. Allele origin: germline. Affected: yes.
Comment: Frameshift variant predicted to result in protein truncation or nonsense mediated decay in a gene or region of a gene for which loss of function is not a well-established mechanism of disease; Has not been previously published as pathogenic or benign to our knowledge; Not observed at significant frequency in large population cohorts (gnomAD)

NM_139318.5(KCNH5):c.1313_1314del (p.Ile438fs)

Gene: KCNH5 (potassium voltage-gated channel subfamily H member 5; minus strand). Cytogenetic location: 14q23.2.
Variant type: Deletion.
Coding change: c.1313_1314del on transcript NM_139318.5 (MANE Select); coding-DNA positions 1313 to 1314, 2 bases deleted (TA; older notation c.1313_1314delTA).
Protein change: p.Ile438fs; shifts the reading frame from isoleucine 438.
Molecular consequence: frameshift variant.
Genome position (GRCh38, 1-based): chr14:62,950,188-62,950,189, TA deleted on the plus strand (TA on the coding strand, the reverse complement: KCNH5 is on the minus strand); deleting any 2 consecutive bases within chr14:62,950,188-62,950,190 gives the same sequence; the c. name uses the placement nearest the transcript's 3' end. VCF-style (leftmost placement, unchanged base first): chr14-62950187-CTA-C. GRCh37 (hg19) VCF-style: chr14-63416905-CTA-C.
Other names: c.1313_1314del, p.Ile438fs (NM_172375.3); c.1313_1314del (NM_139318.4); short protein forms I438fs.
Identifiers: ClinVar variation 1906972 (VCV001906972.6), dbSNP rs1889972570, ClinGen allele CA2141967844.
Genomic context (GRCh38, chr14:62,950,187, plus strand): 5'-ACTTACAGCCAACCATCATCATAGCCACCGAAAACATCTTCTCCACATCTGTGGTAGGAG[CTA>C]TGTTTCCAAATCCTATGGTTGTAAGGCTTGTCATGGTAAAGTAGAGAGAGGACACGTACA-3'